The following is an entry in ClinVar:

NM_000135.4(FANCA):c.3290del (p.Ala1097fs)

Gene: FANCA (FA complementation group A; minus strand). Cytogenetic location: 16q24.3.
Variant type: Deletion.
Coding change: c.3290del on transcript NM_000135.4 (MANE Select); coding-DNA position 3290, one base deleted (C; older notation c.3290delC).
Protein change: p.Ala1097fs; shifts the reading frame from alanine 1097.
Molecular consequence: frameshift variant.
Genome position (GRCh38, 1-based): chr16:89,748,717, G deleted on the plus strand (C on the coding strand, the reverse complement: FANCA is on the minus strand). VCF-style (leftmost placement, unchanged base first): chr16-89748716-TG-T. GRCh37 (hg19) VCF-style: chr16-89815124-TG-T.
Other names: c.3290del, p.Ala1097fs (NM_001286167.3); short protein forms A1097fs.
Identifiers: ClinVar variation 4715623 (VCV004715623.1).

ClinVar aggregate classification (germline): Pathogenic (1 of 4 stars; one submission).

Conditions:
Fanconi anemia (FA). Also called: Fanconi's anemia. Identifiers: Orphanet 84, MedGen C0015625, MeSH D005199, MONDO:0019391.

Submission:

Labcorp Genetics (formerly Invitae), Labcorp
Classification: Pathogenic for Fanconi anemia. Last evaluated: 2025-06-19. Review status: criteria provided, single submitter. Criteria: Invitae Variant Classification Sherloc (09022015). Collection method: clinical testing. Allele origin: germline.
Comment: This sequence change creates a premature translational stop signal (p.Ala1097Glufs*20) in the FANCA gene. It is expected to result in an absent or disrupted protein product. Loss-of-function variants in FANCA are known to be pathogenic (PMID: 19367192). This variant is not present in population databases (gnomAD no frequency). This variant has not been reported in the literature in individuals affected with FANCA-related conditions. For these reasons, this variant has been classified as Pathogenic.

Literature cited by the submitters: PubMed 19367192.